The following is an entry in ClinVar:

NM_021098.3(CACNA1H):c.2473C>G (p.Leu825Val)

Gene: CACNA1H (calcium voltage-gated channel subunit alpha1 H; plus strand). Cytogenetic location: 16p13.3.
Variant type: single nucleotide variant.
Coding change: c.2473C>G on transcript NM_021098.3 (MANE Select); coding-DNA position 2473, C replaced by G.
Protein change: p.Leu825Val; replaces leucine 825 with valine.
Molecular consequence: missense variant.
Genome position (GRCh38, 1-based): chr16:1,205,135, C>G. VCF-style: chr16-1205135-C-G. GRCh37 (hg19) VCF-style: chr16-1255135-C-G.
Other names: c.2473C>G, p.Leu825Val (NM_001005407.2); c.2473C>G (NM_021098.2); short protein forms L825V.
Identifiers: ClinVar variation 4886623 (VCV004886623.3).

ClinVar aggregate classification (germline): Uncertain significance. Review status: criteria provided, multiple submitters, no conflicts (2 of 4 stars). 2 submissions from 2 submitters: Uncertain significance (2). Last evaluated 2025-11-13.

Conditions:
CACNA1H-related disorder.

gnomAD v4.1: 7 of 1,612,532 alleles (0.00043%); highest among the groups gnomAD compares: Non-Finnish European, 0.00042%; no homozygotes.

Submissions (2):

PreventionGenetics, part of Exact Sciences
Classification: Uncertain significance for CACNA1H-related condition. Last evaluated: 2025-11-13. Review status: criteria provided, single submitter. Criteria: ACMG Guidelines, 2015. Collection method: clinical testing. Allele origin: germline.
Comment: The CACNA1H c.2473C>G variant is predicted to result in the amino acid substitution p.Leu825Val. To our knowledge, this variant has not been reported in the literature. This variant is reported in 0.00089% of alleles in individuals of European (Non-Finnish) descent in gnomAD. At this time, the clinical significance of this variant is uncertain due to the absence of conclusive functional and genetic evidence.

Dasa
Classification: Uncertain significance. Last evaluated: 2025-05-06. Review status: criteria provided, single submitter. Criteria: DASA Assertion Criteria. Collection method: clinical testing. Allele origin: germline.
Comment: NM_021098.3(CACNA1H):c.2473C>G (p.Leu825Val) is a missense variant that results in the substitution of leucine with valine. This variant is rare in population databases. The currently available literature and clinical evidence are not sufficient to establish a definitive association between this variant and the reported condition. Therefore, this variant is classified as a variant of uncertain significance.